The following is an entry in ClinVar:

ClinVar aggregate classification (germline): Pathogenic (1 of 4 stars; one submission).

Conditions:
Fanconi anemia (FA). Also called: Fanconi's anemia. Identifiers: Orphanet 84, MedGen C0015625, MeSH D005199, MONDO:0019391.

Submission:

Labcorp Genetics (formerly Invitae), Labcorp
Classification: Pathogenic for Fanconi anemia. Last evaluated: 2023-07-25. Review status: criteria provided, single submitter. Criteria: Invitae Variant Classification Sherloc (09022015). Collection method: clinical testing. Allele origin: germline.
Comment: This sequence change creates a premature translational stop signal (p.Ala1227Glnfs*21) in the FANCA gene. It is expected to result in an absent or disrupted protein product. Loss-of-function variants in FANCA are known to be pathogenic (PMID: 19367192). This variant is not present in population databases (gnomAD no frequency). This variant has not been reported in the literature in individuals affected with FANCA-related conditions. For these reasons, this variant has been classified as Pathogenic.

Literature cited by the submitters: PubMed 19367192.

NM_000135.4(FANCA):c.3676_3677dup (p.Ala1227fs)

Gene: FANCA (FA complementation group A; minus strand). Cytogenetic location: 16q24.3.
Variant type: Microsatellite.
Coding change: c.3676_3677dup on transcript NM_000135.4 (MANE Select); coding-DNA positions 3676 to 3677, 2 bases duplicated (TC; older notation c.3676_3677dupTC).
Protein change: p.Ala1227fs; shifts the reading frame from alanine 1227.
Molecular consequence: frameshift variant.
Genome position (GRCh38, 1-based): chr16:89,742,888-89,742,889, GA duplicated on the plus strand (TC on the coding strand, the reverse complement: FANCA is on the minus strand); duplicating any 2 consecutive bases within chr16:89,742,888-89,742,892 gives the same sequence; the c. name uses the placement nearest the transcript's 3' end. VCF-style (leftmost placement, unchanged base first): chr16-89742887-T-TGA. GRCh37 (hg19) VCF-style: chr16-89809295-T-TGA.
Other names: c.3676_3677dup, p.Ala1227fs (NM_001286167.3); short protein forms A1227fs.
Identifiers: ClinVar variation 2746704 (VCV002746704.3), dbSNP rs2544105888, ClinGen allele CA2697556060.
Genomic context (GRCh38, chr16:89,742,887, plus strand): 5'-TAGCTGCTTCCTGATGTTTTCTTCCCTGACTTGTTGAATCGCAAAGTGCAGTGCAGCAGC[T>TGA]GAGAGCCAGTCCGGGTTGGGTGCTGGGGAGGCAGCCTCAGGGGAGAGGAAACTGGGACAG-3'